The following is an entry in ClinVar:

ClinVar aggregate classification (germline): Uncertain significance. Review status: criteria provided, multiple submitters, no conflicts (2 of 4 stars). 4 submissions from 4 submitters: Uncertain significance (4). Last evaluated 2024-10-22.

Conditions:
Emery-Dreifuss muscular dystrophy 4, autosomal dominant (EDMD4). Also called: EMERY-DREIFUSS MUSCULAR DYSTROPHY 4 WITH VARIABLE FEATURES. Identifiers: Orphanet 261, MedGen C2751807, MONDO:0013071, OMIM 612998.
Autosomal recessive ataxia, Beauce type. Also called: SYNE1 Deficiency; SYNE1-Related Autosomal Recessive Cerebellar Ataxia; Spinocerebellar ataxia, autosomal recessive 8; ATAXIA, RECESSIVE, OF BEAUCE. Identifiers: Orphanet 88644, MedGen C1853116, MONDO:0012549, OMIM 610743.

Allele frequency attached by ClinVar (database versions not stated): gnomAD 0.00004; TOPMed 0.00005; 1000 Genomes Project 30x 0.00016; 1000 Genomes Project 0.00020.
gnomAD v4.1: 22 of 1,614,090 alleles (0.0014%); highest among the groups gnomAD compares: African/African-American, 0.015%; no homozygotes.

Submissions (4):

Revvity Omics, Revvity
Classification: Uncertain significance. Last evaluated: 2024-10-22. Review status: criteria provided, single submitter. Criteria: ACMG Guidelines, 2015. Collection method: clinical testing. Allele origin: germline.

Labcorp Genetics (formerly Invitae), Labcorp
Classification: Uncertain significance for Emery-Dreifuss muscular dystrophy 4, autosomal dominant; Autosomal recessive ataxia, Beauce type. Last evaluated: 2023-08-17. Review status: criteria provided, single submitter. Criteria: Invitae Variant Classification Sherloc (09022015). Collection method: clinical testing. Allele origin: germline.
Comment: ClinVar contains an entry for this variant (Variation ID: 624272). In summary, the available evidence is currently insufficient to determine the role of this variant in disease. Therefore, it has been classified as a Variant of Uncertain Significance. An algorithm developed to predict the effect of missense changes on protein structure and function (PolyPhen-2) suggests that this variant is likely to be disruptive. This variant has not been reported in the literature in individuals affected with SYNE1-related conditions. This variant is present in population databases (rs148248006, gnomAD 0.02%). This sequence change replaces arginine, which is basic and polar, with histidine, which is basic and polar, at codon 4447 of the SYNE1 protein (p.Arg4447His).

Athena Diagnostics
Classification: Uncertain significance. Last evaluated: 2023-06-09. Review status: criteria provided, single submitter. Criteria: Athena Diagnostics Criteria. Collection method: clinical testing. Allele origin: unknown.
Comment: Available data are insufficient to determine the clinical significance of the variant at this time. The frequency of this variant in the general population is uninformative in assessment of its pathogenicity. Computational tools disagree on the variant's effect on normal protein function.

CeGaT Center for Human Genetics Tuebingen
Classification: Uncertain significance. Last evaluated: 2018-10-01. Review status: criteria provided, single submitter. Criteria: CeGaT Center For Human Genetics Tuebingen Variant Classification Criteria Version 2. Collection method: clinical testing. Allele origin: germline. Affected: yes. Observed: 3 variant alleles.

NM_182961.4(SYNE1):c.13553G>A (p.Arg4518His)

Gene: SYNE1 (spectrin repeat containing nuclear envelope protein 1; minus strand). Cytogenetic location: 6q25.2.
Variant type: single nucleotide variant.
Coding change: c.13553G>A on transcript NM_182961.4 (MANE Select); coding-DNA position 13553, G replaced by A.
Protein change: p.Arg4518His; replaces arginine 4518 with histidine.
Molecular consequence: missense variant.
Genome position (GRCh38, 1-based): chr6:152,331,132, C>T on the plus strand (G>A on the coding strand, the complement: SYNE1 is on the minus strand). VCF-style: chr6-152331132-C-T. GRCh37 (hg19) VCF-style: chr6-152652267-C-T.
Other names: c.13340G>A, p.Arg4447His (NM_033071.5); c.13340G>A (NM_033071.3); short protein forms R4447H, R4518H.
Identifiers: ClinVar variation 624272 (VCV000624272.53), dbSNP rs148248006, ClinGen allele CA4056161.